The following continues an entry in ClinVar:

NM_000069.3(CACNA1S):c.520C>T (p.Arg174Trp)

Gene: CACNA1S. ClinVar aggregate classification (germline): drug response. drug response (7).

Submissions 13 to 24 of 24:

Color Diagnostics, LLC DBA Color Health
Classification: Likely pathogenic for Malignant hyperthermia, susceptibility to, 5. Last evaluated: 2025-06-09. Review status: criteria provided, single submitter. Criteria: ACMG Guidelines, 2015. Collection method: clinical testing. Allele origin: germline. Not counted in ClinVar's aggregate classification.
Comment: This missense variant replaces arginine with tryptophan at codon 174 of the CACNA1S protein. Computational prediction suggests that this variant may have deleterious impact on protein structure and function. A functional study in vitro has shown that this variant increases sensitivity to isoflurane and halothane compared to wild-type protein (PMID: 22547813). In a knock-in mouse model, this variant did not appear to be insufficient to trigger a fulminant response to halothane or confer heat stress intolerance (PMID: 37392848). This variant has been reported in at least six individuals affected with malignant hyperthermia susceptibility (PMID: 19825159, 24433488, 28259615, 30236257, 33564012, 33564012, DOI: 10.24811/hjms.71.1-2_31). This variant has been identified in 7/251362 chromosomes in the general population by the Genome Aggregation Database (gnomAD). Based on the available evidence, this variant is classified as Likely Pathogenic.

Variantyx, Inc.
Classification: Likely pathogenic for Malignant hyperthermia, susceptibility to, 5. Last evaluated: 2025-04-07. Review status: criteria provided, single submitter. Criteria: Variantyx Assertion Criteria 2022. Collection method: clinical testing. Allele origin: germline. Inheritance: Autosomal dominant inheritance. Not counted in ClinVar's aggregate classification.
Comment: This is a nonsynonymous variant in the CACNA1S gene (OMIM: 114208). Pathogenic variants in this gene have been associated with autosomal dominant susceptibility to malignant hyperthermia 5. This variant has been reported in at least 4 unrelated affected individuals (PMID: 19825159, 33564012, 30236257) (PS4_Moderate). Functional studies have shown that this variant alters CACNA1S protein function (PMID: 23663834, 22547813, 37392848) (PS3) and multiple computational algorithms predict a deleterious effect for this variant (REVEL score: 0.91) (PP3). This variant has a 0.0490% maximum allele frequency in non-founder control populations (PM2). Based on the current evidence, this variant is classified as likely pathogenic for autosomal dominant susceptibility to malignant hyperthermia 5.

All of Us Research Program, National Institutes of Health
Classification: Likely pathogenic for Malignant hyperthermia, susceptibility to, 5. Last evaluated: 2024-09-27. Review status: criteria provided, single submitter. Criteria: ACMG Guidelines, 2015. Collection method: clinical testing. Allele origin: germline. Inheritance: Autosomal dominant inheritance. Observed: 6 variant alleles, 6 heterozygotes. Not counted in ClinVar's aggregate classification.
Comment: The c.520C>T (p.Arg174Trp) variant, located on the exon 4 of the CACNA1S gene, replaces glycine with tryptophan at codon 174 of the CACNA1S protein. This missense change has been observed in at least six unrelated individuals with personal or family histories of a malignant hyperthermia susceptibility (MHS), positive in vitro contracture test (IVCT) or caffeine halothane contracture test (CHCT) (PMID: 19825159, 24433488, 28259615, 30236257, 33564012, DOI 10.24811/hjms.71.1-2_31). This variant has been observed to segregate with MHS in one family member (PMID: 19825159). Functional studies demonstrate impaired calcium ion depolarization and increased sensitivity of calcium ion release to caffeine and volatile anesthetics (PMID: 23663834, 22547813). Computational prediction (REVEL score 0.91) suggests that this variant may have deleterious impact on protein structure and function. ClinVar contains an entry for this variant (ID: 575733). This variant is rare (30/1614012 chromosomes) in the general population database (gnomAD). For these reasons, the c.520C>T (p.Arg174Trp) variant in the CACNA1S gene is classified as likely pathogenic.

This study involves interpretation of variants in research participants for the purpose of population health screening. Participant phenotype was not available at the time of variant classification. Additional details can be found in publication PMID: 35346344, PMCID: PMC8962531

Fulgent Genetics
Classification: Uncertain significance for Hypokalemic periodic paralysis, type 1; Thyrotoxic periodic paralysis, susceptibility to, 1; Malignant hyperthermia, susceptibility to, 5; Congenital myopathy 18. Last evaluated: 2024-02-07. Review status: criteria provided, single submitter. Criteria: ACMG Guidelines, 2015. Collection method: clinical testing. Allele origin: germline. Not counted in ClinVar's aggregate classification.

Institute of Human Genetics, University of Leipzig Medical Center
Classification: Likely pathogenic for Malignant hyperthermia, susceptibility to, 5. Last evaluated: 2024-01-31. Review status: criteria provided, single submitter. Criteria: ACMG Guidelines, 2015. Collection method: clinical testing. Allele origin: unknown. Inheritance: Autosomal dominant inheritance. Affected: yes. Not counted in ClinVar's aggregate classification.
Comment: Criteria applied: PS4,PS3_SUP,PM2_SUP,PP1,PP3

Laboratory for Molecular Medicine, Mass General Brigham Personalized Medicine
Classification: Likely pathogenic for Malignant hyperthermia of anesthesia. Last evaluated: 2023-06-01. Review status: criteria provided, single submitter. Criteria: ACMG Guidelines, 2015. Collection method: clinical testing. Allele origin: germline. Not counted in ClinVar's aggregate classification.
Comment: proposed classification - variant undergoing re-assessment, contact laboratory

New York Genome Center
Classification: Pathogenic for Malignant hyperthermia, susceptibility to, 5. Last evaluated: 2023-04-11. Review status: criteria provided, single submitter. Criteria: NYGC Assertion Criteria 2020. Collection method: clinical testing. Allele origin: germline. Observed: 1 heterozygote. Not counted in ClinVar's aggregate classification.
Comment: The c.520C>T variant in CACNA1S has previously been reported in individuals with malignant hyperthermia susceptibility [PMID: 19825159, 24433488, 30236257], and it has been deposited in ClinVar as Pathogenic by an expert panel (PharmGKB Expert Review Panel [ClinVar ID: 575733]). The c.520C>T variant is observed in 11 alleles (0.0018% minor allele frequency with 0 homozygotes) in population databases (gnomAD v2.1.1 and v3.1.2, TOPMed Freeze 8), suggesting it is not a common benign variant in the populations represented in those databases. The c.520C>T variant is located in exon 4 of this 44-exon gene and is predicted to replace an evolutionarily conserved arginine amino acid with tryptophan at position 174 (p.(Arg174Trp)) in the S4 helix of the first conserved membrane repeat of the encodedprotein that is known to be important in sensing changes in the membrane potential [PMID: 19825159, 23663834]. In vitro studies demonstrated elevated resting myoplasmic calcium levels and partially depleted sarcoplasmic reticulum stores in myoblast cells carrying the c.520C>T variant [PMID: 23663834, 22547813]. Basedon available evidence this heterozygous c.520C>T p.(Arg174Trp) variant identified in CACNA1S is classified as Pathogenic.

Mendelics
Classification: Pathogenic. Last evaluated: 2023-03-30. Review status: criteria provided, single submitter. Criteria: Mendelics Assertion Criteria 2019. Collection method: clinical testing. Allele origin: germline. Not counted in ClinVar's aggregate classification.

Department of Pathology and Laboratory Medicine, Sinai Health System
Classification: Likely pathogenic for Malignant hyperthermia, susceptibility to, 5. Last evaluated: 2023-03-27. Review status: criteria provided, single submitter. Criteria: ACMG Guidelines, 2015. Collection method: research. Allele origin: germline. Not counted in ClinVar's aggregate classification.

Institute of Medical Genetics and Applied Genomics, University Hospital Tübingen
Classification: Pathogenic. Last evaluated: 2021-06-17. Review status: criteria provided, single submitter. Criteria: ACMG Guidelines, 2015. Collection method: clinical testing. Allele origin: germline. Inheritance: Autosomal dominant inheritance. Affected: yes. Not counted in ClinVar's aggregate classification.

Institute of Human Genetics Munich, TUM University Hospital
Classification: Pathogenic for Malignant hyperthermia, susceptibility to, 5. Last evaluated: 2020-11-09. Review status: criteria provided, single submitter. Criteria: Classification criteria August 2017. Collection method: clinical testing. Allele origin: germline. Inheritance: Autosomal dominant inheritance. Affected: yes. Observed: 1 variant allele. Not counted in ClinVar's aggregate classification.

Juno Genomics, Hangzhou Juno Genomics, Inc
Classification: Likely pathogenic for Malignant hyperthermia, susceptibility to, 5. Review status: criteria provided, single submitter. Criteria: ACMG Guidelines, 2015. Collection method: clinical testing. Allele origin: germline. Not counted in ClinVar's aggregate classification.
Comment: Absent from controls (or at extremely low frequency if recessive) in Genome Aggregation Database.;Well-established in vitro or in vivo functional studies supportive of a damaging effect on the gene or gene product.;The prevalence of the variant in affected individuals is significantly increased compared to the prevalence in controls.;Co-segregation with disease in multiple affected family members.

Literature cited by the submitters: PubMed 19825159 (cited by 7 submitters); PubMed 22547813 (cited by 8 submitters); PubMed 1982519 (cited by Labcorp Genetics (formerly Invitae), Labcorp); PubMed 24433488 (cited by 5 submitters); PubMed 30236257 (cited by 6 submitters); PubMed 23663834 (cited by 5 submitters); PubMed 28259615 (cited by 3 submitters); PubMed 34546289 (cited by Ambry Genetics); PubMed 37392848 (cited by 3 submitters); PubMed 33564012 (cited by 3 submitters).